The following is an entry in ClinVar:

ClinVar aggregate classification (germline): Pathogenic. Review status: reviewed by expert panel (3 of 4 stars). 5 submissions from 5 submitters: Pathogenic (1). 4 of the submissions do not count toward it. Last evaluated 2016-09-08.

Conditions:
Hereditary cancer-predisposing syndrome. Also called: Tumor predisposition; Hereditary neoplastic syndrome; Hereditary Cancer Syndrome; Neoplastic Syndromes, Hereditary. Identifiers: Orphanet 140162, MedGen C0027672, MeSH D009386, MONDO:0015356.
Hereditary breast ovarian cancer syndrome. Also called: Hereditary breast and ovarian cancer syndrome (HBOC); Hereditary breast and ovarian cancer syndrome; Breast and ovarian cancer; BRCA1- and BRCA2-Associated Hereditary Breast and Ovarian Cancer; Hereditary breast and ovarian cancer; Hereditary breast and/or ovarian cancer syndrome. Identifiers: Orphanet 145, MedGen C0677776, MeSH D061325, MONDO:0003582. Disease mechanism: loss of function.
Breast-ovarian cancer, familial, susceptibility to, 2 (BROVCA2). Also called: BRCA2 Hereditary Breast and Ovarian Cancer. Identifiers: Orphanet 145, MedGen C2675520, MONDO:0012933, OMIM 612555. Disease mechanism: loss of function.

Submissions (5):

Evidence-based Network for the Interpretation of Germline Mutant Alleles (ENIGMA)
Classification: Pathogenic for Breast-ovarian cancer, familial, susceptibility to, 2. Last evaluated: 2016-09-08. Review status: reviewed by expert panel. Criteria: ENIGMA BRCA1/2 Classification Criteria (2015). Collection method: curation. Allele origin: germline.
Comment: Variant allele predicted to encode a truncated non-functional protein.

Ambry Genetics
Classification: Pathogenic for Hereditary cancer-predisposing syndrome. Last evaluated: 2026-07-13. Review status: criteria provided, single submitter. Criteria: Ambry Variant Classification Scheme 2023. Collection method: clinical testing. Allele origin: germline. Not counted in ClinVar's aggregate classification.
Comment: The c.8578_8579delAA pathogenic mutation, located in coding exon 19 of the BRCA2 gene, results from a deletion of two nucleotides at nucleotide positions 8578 to 8579, causing a translational frameshift with a predicted alternate stop codon (p.K2860Efs*8). This variant is considered to be rare based on population cohorts in the Genome Aggregation Database (gnomAD). This alteration is expected to result in loss of function by premature protein truncation or nonsense-mediated mRNA decay. As such, this alteration is interpreted as a disease-causing mutation.

Labcorp Genetics (formerly Invitae), Labcorp
Classification: Pathogenic for Hereditary breast ovarian cancer syndrome. Last evaluated: 2025-01-06. Review status: criteria provided, single submitter. Criteria: Invitae Variant Classification Sherloc (09022015). Collection method: clinical testing. Allele origin: germline. Not counted in ClinVar's aggregate classification.
Comment: This sequence change creates a premature translational stop signal (p.Lys2860Glufs*8) in the BRCA2 gene. It is expected to result in an absent or disrupted protein product. Loss-of-function variants in BRCA2 are known to be pathogenic (PMID: 20104584). This variant is not present in population databases (gnomAD no frequency). This premature translational stop signal has been observed in individual(s) with clinical features of BRCA2-related conditions (PMID: 10923033, 21520333). ClinVar contains an entry for this variant (Variation ID: 126183). For these reasons, this variant has been classified as Pathogenic.

Research Molecular Genetics Laboratory, Women's College Hospital, University of Toronto
Classification: Pathogenic for Hereditary breast ovarian cancer syndrome. Last evaluated: 2014-01-31. Review status: no assertion criteria provided. Collection method: research. Allele origin: germline. Affected: yes. Study: The Canadian Open Genetics Repository (COGR). Not counted in ClinVar's aggregate classification.

Breast Cancer Information Core (BIC) (BRCA2)
Classification: Pathogenic for Breast-ovarian cancer, familial 2. Last evaluated: 2007-01-18. Review status: no assertion criteria provided. Collection method: clinical testing. Allele origin: germline. Affected: yes. Observed: 1 variant allele. Not counted in ClinVar's aggregate classification.

Literature cited by the submitters: PubMed 20104584 (cited by Labcorp Genetics (formerly Invitae), Labcorp); PubMed 10923033 (cited by Labcorp Genetics (formerly Invitae), Labcorp); PubMed 21520333 (cited by Labcorp Genetics (formerly Invitae), Labcorp).

NM_000059.4(BRCA2):c.8578_8579del (p.Lys2860fs)

Gene: BRCA2 (BRCA2 DNA repair associated; plus strand). Cytogenetic location: 13q13.1.
Variant type: Deletion.
Coding change: c.8578_8579del on transcript NM_000059.4 (MANE Select); coding-DNA positions 8578 to 8579, 2 bases deleted (AA; older notation c.8578_8579delAA).
Protein change: p.Lys2860fs; shifts the reading frame from lysine 2860.
Molecular consequence: frameshift variant.
Genome position (GRCh38, 1-based): chr13:32,371,046-32,371,047, AA deleted; deleting any 2 consecutive bases within chr13:32,371,044-32,371,047 gives the same sequence; the c. name uses the placement nearest the transcript's 3' end. VCF-style (leftmost placement, unchanged base first): chr13-32371043-CAA-C. GRCh37 (hg19) VCF-style: chr13-32945180-CAA-C.
Other names: 8806delAA; c.8578_8579delAA (NM_000059.3); short protein forms K2860fs.
Identifiers: ClinVar variation 126183 (VCV000126183.12), dbSNP rs80359719, ClinGen allele CA025720.